The following is an entry in ClinVar:

ClinVar aggregate classification (germline): Uncertain significance (1 of 4 stars; one submission).

gnomAD v4.1: 1 of 1,609,918 alleles (0.000062%); highest among the groups gnomAD compares: Non-Finnish European, 0.000085%; no homozygotes.

Submission:

Labcorp Genetics (formerly Invitae), Labcorp
Classification: Uncertain significance. Last evaluated: 2024-09-19. Review status: criteria provided, single submitter. Criteria: Invitae Variant Classification Sherloc (09022015). Collection method: clinical testing. Allele origin: germline.
Comment: This sequence change replaces cysteine, which is neutral and slightly polar, with arginine, which is basic and polar, at codon 203 of the DARS protein (p.Cys203Arg). This variant is not present in population databases (gnomAD no frequency). This variant has not been reported in the literature in individuals affected with DARS-related conditions. Invitae Evidence Modeling of protein sequence and biophysical properties (such as structural, functional, and spatial information, amino acid conservation, physicochemical variation, residue mobility, and thermodynamic stability) has been performed for this missense variant. However, the output from this modeling did not meet the statistical confidence thresholds required to predict the impact of this variant on DARS protein function. In summary, the available evidence is currently insufficient to determine the role of this variant in disease. Therefore, it has been classified as a Variant of Uncertain Significance.

NM_001349.4(DARS1):c.607T>C (p.Cys203Arg)

Gene: DARS1 (aspartyl-tRNA synthetase 1; minus strand). Cytogenetic location: 2q21.3.
Variant type: single nucleotide variant.
Coding change: c.607T>C on transcript NM_001349.4 (MANE Select); coding-DNA position 607, T replaced by C.
Protein change: p.Cys203Arg; replaces cysteine 203 with arginine.
Molecular consequence: missense variant.
Genome position (GRCh38, 1-based): chr2:135,924,456, A>G on the plus strand (T>C on the coding strand, the complement: DARS1 is on the minus strand). VCF-style: chr2-135924456-A-G. GRCh37 (hg19) VCF-style: chr2-136682026-A-G.
Other names: c.307T>C, p.Cys103Arg (NM_001293312.1); short protein forms C103R, C203R.
Identifiers: ClinVar variation 3701295 (VCV003701295.2).